The following is an entry in ClinVar:

ClinVar aggregate classification (germline): Uncertain significance (1 of 4 stars; one submission).

Conditions:
Leber congenital amaurosis 6 (LCA6). Identifiers: Orphanet 65, MedGen C1854260, MONDO:0013446, OMIM 613826.
Cone-rod dystrophy 13 (CORD13). Identifiers: Orphanet 1872, MedGen C2750720, MONDO:0011987, OMIM 608194.

Allele frequency attached by ClinVar (database versions not stated): gnomAD exomes below 0.00001; TOPMed 0.00004; gnomAD 0.00005; 1000 Genomes Project 30x 0.00016.
gnomAD v4.1: 10 of 1,609,476 alleles (0.00062%); highest among the groups gnomAD compares: African/African-American, 0.013%; no homozygotes.

Submission:

Labcorp Genetics (formerly Invitae), Labcorp
Classification: Uncertain significance for Leber congenital amaurosis 6; Cone-rod dystrophy 13. Last evaluated: 2024-12-02. Review status: criteria provided, single submitter. Criteria: Invitae Variant Classification Sherloc (09022015). Collection method: clinical testing. Allele origin: germline.
Comment: This sequence change replaces alanine, which is neutral and non-polar, with serine, which is neutral and polar, at codon 735 of the RPGRIP1 protein (p.Ala735Ser). This variant is present in population databases (rs769776142, gnomAD 0.02%). This variant has not been reported in the literature in individuals affected with RPGRIP1-related conditions. ClinVar contains an entry for this variant (Variation ID: 1051879). Invitae Evidence Modeling of protein sequence and biophysical properties (such as structural, functional, and spatial information, amino acid conservation, physicochemical variation, residue mobility, and thermodynamic stability) indicates that this missense variant is not expected to disrupt RPGRIP1 protein function with a negative predictive value of 80%. In summary, the available evidence is currently insufficient to determine the role of this variant in disease. Therefore, it has been classified as a Variant of Uncertain Significance.

NM_020366.4(RPGRIP1):c.2203G>T (p.Ala735Ser)

Gene: RPGRIP1 (RPGR interacting protein 1; plus strand). Cytogenetic location: 14q11.2.
Variant type: single nucleotide variant.
Coding change: c.2203G>T on transcript NM_020366.4 (MANE Select); coding-DNA position 2203, G replaced by T.
Protein change: p.Ala735Ser; replaces alanine 735 with serine.
Molecular consequence: missense variant. On other transcripts: intron variant (4).
Genome position (GRCh38, 1-based): chr14:21,325,058, G>T. VCF-style: chr14-21325058-G-T. GRCh37 (hg19) VCF-style: chr14-21793217-G-T.
Other names: c.1129G>T, p.Ala377Ser (NM_001377948.1); c.796+333G>T (NM_001377949.1); c.689-2565G>T (NM_001377523.1, NM_001377950.1); c.191-2565G>T (NM_001377951.1); short protein forms A377S, A735S.
Identifiers: ClinVar variation 1051879 (VCV001051879.7), dbSNP rs769776142, ClinGen allele CA7089175.